The following is an entry in ClinVar:

ClinVar aggregate classification (germline): Benign. Review status: criteria provided, multiple submitters, no conflicts (2 of 4 stars). 4 submissions from 4 submitters: Benign (4). Last evaluated 2021-06-18.

Conditions:
Osteopetrosis. Identifiers: Orphanet 2781, MedGen C0029454, MONDO:0017198, HP:0011002.

Allele frequency attached by ClinVar (database versions not stated): 1000 Genomes Project 0.08866; ExAC 0.10722; gnomAD 0.11981 and 0.11490; TOPMed 0.12321; gnomAD exomes 0.07580 and 0.09852; 1000 Genomes Project 30x 0.09119; ESP Exome Variant Server 0.12755.
gnomAD v4.1: 155,476 of 1,551,948 alleles (10%); highest among the groups gnomAD compares: African/African-American, 19%; 8,926 homozygotes.

Submissions (4):

GeneDx
Classification: Benign. Last evaluated: 2021-06-18. Review status: criteria provided, single submitter. Criteria: GeneDx Variant Classification Process June 2021. Collection method: clinical testing. Allele origin: germline. Affected: yes.

Illumina Laboratory Services, Illumina
Classification: Benign for Osteopetrosis. Last evaluated: 2018-01-13. Review status: criteria provided, single submitter. Criteria: ICSL Variant Classification Criteria 13 December 2019. Collection method: clinical testing. Allele origin: germline.
Comment: This variant was observed in the ICSL laboratory as part of a predisposition screen in an ostensibly healthy population. It had not been previously curated by ICSL or reported in the Human Gene Mutation Database (HGMD: prior to June 1st, 2018), and was therefore a candidate for classification through an automated scoring system. Utilizing variant allele frequency, disease prevalence and penetrance estimates, and inheritance mode, an automated score was calculated to assess if this variant is too frequent to cause the disease. Based on the score and internal cut-off values, a variant classified as benign is not then subjected to further curation. The score for this variant resulted in a classification of benign for this disease.

Breakthrough Genomics
Classification: Benign. Review status: criteria provided, single submitter. Criteria: ACMG Guidelines, 2015. Collection method: not provided. Allele origin: germline. Inheritance: Autosomal recessive inheritance. Affected: yes.

PreventionGenetics, part of Exact Sciences
Classification: Benign. Review status: criteria provided, single submitter. Criteria: ACMG Guidelines, 2015. Collection method: clinical testing. Allele origin: germline.

NM_001287.6(CLCN7):c.*19A>G

Gene: CLCN7 (chloride voltage-gated channel 7; minus strand). Cytogenetic location: 16p13.3.
Variant type: single nucleotide variant.
Coding change: c.*19A>G on transcript NM_001287.6 (MANE Select); 19 bases downstream of the stop codon, A replaced by G.
Molecular consequence: 3 prime UTR variant.
Genome position (GRCh38, 1-based): chr16:1,446,612, T>C on the plus strand (A>G on the coding strand, the complement: CLCN7 is on the minus strand). VCF-style: chr16-1446612-T-C. GRCh37 (hg19) VCF-style: chr16-1496613-T-C.
Other names: c.*19A>G (NM_001114331.3).
Identifiers: ClinVar variation 257947 (VCV000257947.8), dbSNP rs11860968, ClinGen allele CA7809815.